The following is an entry in ClinVar:

NM_004064.5(CDKN1B):c.180G>A (p.Trp60Ter)

Gene: CDKN1B (cyclin dependent kinase inhibitor 1B; plus strand). Cytogenetic location: 12p13.1.
Variant type: single nucleotide variant.
Coding change: c.180G>A on transcript NM_004064.5 (MANE Select); coding-DNA position 180, G replaced by A.
Protein change: p.Trp60Ter; replaces tryptophan 60 with a stop codon.
Molecular consequence: nonsense.
Genome position (GRCh38, 1-based): chr12:12,718,019, G>A. VCF-style: chr12-12718019-G-A. GRCh37 (hg19) VCF-style: chr12-12870953-G-A.
Other names: short protein forms W60*.
Identifiers: ClinVar variation 1780560 (VCV001780560.8), dbSNP rs2136355715, ClinGen allele CA383969259.
Genomic context (GRCh38, chr12:12,718,019, plus strand): 5'-GTTAACCCGGGACTTGGAGAAGCACTGCAGAGACATGGAAGAGGCGAGCCAGCGCAAGTG[G>A]AATTTCGATTTTCAGAATCACAAACCCCTAGAGGGCAAGTACGAGTGGCAAGAGGTGGAG-3'

ClinVar aggregate classification (germline): Pathogenic. Review status: criteria provided, multiple submitters, no conflicts (2 of 4 stars). 2 submissions from 2 submitters: Pathogenic (2). Last evaluated 2025-04-15.

Conditions:
Hereditary cancer-predisposing syndrome. Also called: Tumor predisposition; Neoplastic Syndromes, Hereditary; Hereditary Cancer Syndrome; Hereditary neoplastic syndrome. Identifiers: Orphanet 140162, MedGen C0027672, MeSH D009386, MONDO:0015356.
Multiple endocrine neoplasia type 4. Also called: MULTIPLE ENDOCRINE NEOPLASIA, TYPE IV. Identifiers: Orphanet 276152, MedGen C1970712, MONDO:0012552, OMIM 610755.

Submissions (2):

Ambry Genetics
Classification: Pathogenic for Hereditary cancer-predisposing syndrome. Last evaluated: 2025-04-15. Review status: criteria provided, single submitter. Criteria: Ambry Variant Classification Scheme 2023. Collection method: clinical testing. Allele origin: germline.
Comment: The p.W60* pathogenic mutation (also known as c.180G>A), located in coding exon 1 of the CDKN1B gene, results from a G to A substitution at nucleotide position 180. This changes the amino acid from a tryptophan to a stop codon within coding exon 1. This variant is considered to be rare based on population cohorts in the Genome Aggregation Database (gnomAD). This alteration is expected to result in loss of function by premature protein truncation or nonsense-mediated mRNA decay. As such, this alteration is interpreted as a disease-causing mutation.

Labcorp Genetics (formerly Invitae), Labcorp
Classification: Pathogenic for Multiple endocrine neoplasia type 4. Last evaluated: 2023-01-10. Review status: criteria provided, single submitter. Criteria: Invitae Variant Classification Sherloc (09022015). Collection method: clinical testing. Allele origin: germline.
Comment: For these reasons, this variant has been classified as Pathogenic. ClinVar contains an entry for this variant (Variation ID: 1780560). This premature translational stop signal has been observed in individual(s) with CDKN1B-related conditions (PMID: 35323929). This sequence change creates a premature translational stop signal (p.Trp60*) in the CDKN1B gene. It is expected to result in an absent or disrupted protein product. Loss-of-function variants in CDKN1B are known to be pathogenic (PMID: 17030811, 24819502). This variant is not present in population databases (gnomAD no frequency).

Literature cited by the submitters: PubMed 35323929 (cited by Labcorp Genetics (formerly Invitae), Labcorp); PubMed 17030811 (cited by Labcorp Genetics (formerly Invitae), Labcorp); PubMed 24819502 (cited by Labcorp Genetics (formerly Invitae), Labcorp).